The following is an entry in ClinVar:

NM_003384.3(VRK1):c.1160G>A (p.Arg387His)

Gene: VRK1 (VRK serine/threonine kinase 1; plus strand). Cytogenetic location: 14q32.2.
Variant type: single nucleotide variant.
Coding change: c.1160G>A on transcript NM_003384.3 (MANE Select); coding-DNA position 1160, G replaced by A.
Protein change: p.Arg387His; replaces arginine 387 with histidine.
Molecular consequence: missense variant.
Genome position (GRCh38, 1-based): chr14:96,881,177, G>A. VCF-style: chr14-96881177-G-A. GRCh37 (hg19) VCF-style: chr14-97347514-G-A.
Other names: VRK1, ARG387HIS (rs1420939606); short protein forms R387H.
Identifiers: ClinVar variation 521856 (VCV000521856.57), dbSNP rs1420939606, ClinGen allele CA390932560.
Genomic context (GRCh38, chr14:96,881,177, plus strand): 5'-GTTCTTTTGCTTTTGTAAATTATTGACTAGTGATTTCAGTTTCTTTGATTTTTCTTCAAG[G>A]TTCAAGAACCAGAAAGAGAGTCCAGAAGTAATTCAGATGCTGTGAACCAGATTTCCTTTT-3'
Protein context (NP_003375.1, residues 377-396): NTQTEEAIQT[Arg387His]SRTRKRVQK

ClinVar aggregate classification (germline): Pathogenic/Likely pathogenic. Review status: criteria provided, multiple submitters, no conflicts (2 of 4 stars). 7 submissions from 7 submitters: Pathogenic (3); Likely pathogenic (3). 1 of the submissions does not count toward it. Last evaluated 2026-06-16.

Conditions:
Neuronopathy, distal hereditary motor, autosomal recessive 10 (HMNR10). Also called: NEUROPATHY, DISTAL HEREDITARY MOTOR, AUTOSOMAL RECESSIVE 10; VRK1-RELATED MOTOR NEURON DISEASE. Identifiers: MedGen C5882703, MONDO:0957876, OMIM 620542.
Pontocerebellar hypoplasia type 1A (PCH1A). Also called: PONTOCEREBELLAR HYPOPLASIA WITH ANTERIOR HORN CELL DISEASE; PONTOCEREBELLAR HYPOPLASIA WITH INFANTILE SPINAL MUSCULAR ATROPHY. Identifiers: Orphanet 2254, Orphanet 88616, MedGen C1843504, MONDO:0011866, OMIM 607596.
Inborn genetic diseases. Identifiers: MedGen C0950123, MeSH D030342.

Allele frequency attached by ClinVar (database versions not stated): gnomAD exomes 0.00009; gnomAD 0.00020 and 0.00021; TOPMed 0.00025.
gnomAD v4.1: 58 of 1,605,040 alleles (0.0036%); highest among the groups gnomAD compares: Admixed American, 0.089%; no homozygotes.

Submissions (7):

Ambry Genetics
Classification: Pathogenic for Inborn genetic diseases. Last evaluated: 2026-06-16. Review status: criteria provided, single submitter. Criteria: Ambry Variant Classification Scheme 2023. Collection method: clinical testing. Allele origin: germline.
Comment: The c.1160G>A (p.R387H) alteration is located in exon 13 (coding exon 12) of the VRK1 gene. This alteration results from a G to A substitution at nucleotide position 1160, causing the arginine (R) at amino acid position 387 to be replaced by a histidine (H). Based on data from gnomAD, the A allele has an overall frequency of 0.008% (23/272210) total alleles studied. The highest observed frequency was 0.064% (22/34512) of Latino alleles. This variant has been identified in the homozygous state and in conjunction with other VRK1 variant(s) in individual(s) with features consistent with VRK1-related distal hereditary motor neuropathy; in at least one instance, the variants were identified in trans (Greenbaum, 2020; Frasquet, 2021; ivkovi, 2025). This nucleotide position is highly conserved in available vertebrate species. This amino acid position is highly conserved in available vertebrate species. Based on internal structural analysis, R387H disrupts a motif critical to nucleosome-binding (Shin, 2011; Yokobori, 2020; Campillo-Marcos, 2021; Budziszewski, 2022). Functional studies show reduced protein interactions with nucleosomes and slightly reduced localization to metaphase plate in vitro (Budziszewski, 2022). In silico splice site analysis predicts that this nucleotide alteration may weaken the native splice acceptor site. This amino acid alteration is predicted to be tolerated by in silico analysis. Based on the available evidence, this alteration is classified as pathogenic.

Labcorp Genetics (formerly Invitae), Labcorp
Classification: Pathogenic for Pontocerebellar hypoplasia type 1A. Last evaluated: 2026-01-08. Review status: criteria provided, single submitter. Criteria: Invitae Variant Classification Sherloc (09022015). Collection method: clinical testing. Allele origin: germline.
Comment: This sequence change replaces arginine, which is basic and polar, with histidine, which is basic and polar, at codon 387 of the VRK1 protein (p.Arg387His). This variant is present in population databases (no rsID available, gnomAD 0.07%). This missense change has been observed in individual(s) with clinical features of spinal muscular atrophy/distal motor neuropathy (PMID: 31837156; internal data). In at least one individual the data is consistent with being in trans (on the opposite chromosome) from a pathogenic variant. ClinVar contains an entry for this variant (Variation ID: 521856). An algorithm developed to predict the effect of missense changes on protein structure and function (PolyPhen-2) suggests that this variant is likely to be tolerated. Algorithms developed to predict the effect of sequence changes on RNA splicing suggest that this variant may disrupt the consensus splice site. For these reasons, this variant has been classified as Pathogenic.

Variantyx, Inc.
Classification: Likely pathogenic for Neuronopathy, distal hereditary motor, autosomal recessive 10. Last evaluated: 2026-01-02. Review status: criteria provided, single submitter. Criteria: Variantyx Assertion Criteria 2022. Collection method: clinical testing. Allele origin: germline. Inheritance: Autosomal recessive inheritance. Affected: yes.
Comment: This is a nonsynonymous variant in the VRK1 gene (OMIM: 602168). Pathogenic variants in this gene have been associated with autosomal recessive distal hereditary motor neuronopathy 10. This variant has been identified in the homozygous or compound heterozygous state in at least 3 individuals reported in the published literature (PMID: 31837156) (PM3). Functional studies have shown that this variant alters VRK1 protein function (PMID: 38554151, 35390161) (PS3), and algorithms that predict the potential impact of sequence variants on RNA splicing suggest that this variant may disrupt normal splicing (PP1). Moreover, it lies within a known hotspot for pathogenic variants or a well-established critical functional domain of the VRK1 protein (PMID: 31837156) (PM1). 3). This variant has a 0.0894% maximum allele frequency in non-founder control populations (PM2). Based on the current evidence, this variant is classified as likely pathogenic for autosomal recessive distal hereditary motor neuronopathy 10.This variant was reported by previous genetic testing.

Dasa
Classification: Likely pathogenic. Last evaluated: 2024-11-11. Review status: criteria provided, single submitter. Criteria: DASA Assertion Criteria. Collection method: clinical testing. Allele origin: germline.
Comment: NM_003384.3(VRK1):c.1160G>A (p.Arg387His) is a missense variant that results in the substitution of arginine with histidine. This variant has been reported in individuals with VRK1-related disorders (PMID: 31837156). Functional evidence supports an impact on the gene or gene product. Also, this variant is rare in population databases. Based on the currently available evidence, this variant is classified as likely pathogenic.

3billion
Classification: Pathogenic for Neuronopathy, distal hereditary motor, autosomal recessive 10. Last evaluated: 2024-08-28. Review status: criteria provided, single submitter. Criteria: ACMG Guidelines, 2015. Collection method: clinical testing. Allele origin: germline. Affected: yes.
Comment: The variant is observed at an extremely low frequency in the gnomAD v4.0.0 dataset (total allele frequency: 0.004%). Predicted Consequence/Location: The majority of the known disease-causing variants of this gene are variants expected to result in premature termination of the protein. In silico tools predict the variant to alter splicing and produce an abnormal transcript [SpliceAI: 0.30 (>=0.2, moderate evidence for spliceogenicity)]. The same nucleotide change resulting in the same amino acid change has been previously reported as pathogenic/likely pathogenic with strong evidence (ClinVar ID: VCV000521856 /PMID: 31837156). The variant has been observed in at least two similarly affected unrelated individuals (PMID: 31837156). The variant has been reported to be in trans with a pathogenic variant as either compound heterozygous or homozygous in at least one similarly affected unrelated individual (PMID: 31837156). Therefore, this variant is classified as Pathogenic according to the recommendation of ACMG/AMP guideline.

Revvity Omics, Revvity
Classification: Likely pathogenic. Last evaluated: 2023-06-13. Review status: criteria provided, single submitter. Criteria: ACMG Guidelines, 2015. Collection method: clinical testing. Allele origin: germline.

OMIM
Classification: Pathogenic for NEURONOPATHY, DISTAL HEREDITARY MOTOR, AUTOSOMAL RECESSIVE 10. Last evaluated: 2023-10-24. Review status: no assertion criteria provided. Collection method: literature only. Allele origin: germline. Not counted in ClinVar's aggregate classification.

Literature cited by the submitters: PubMed 21543316 (cited by Ambry Genetics); PubMed 31837156 (cited by 6 submitters); PubMed 32266931 (cited by Ambry Genetics); PubMed 33369814 (cited by Ambry Genetics); PubMed 33516791 (cited by Ambry Genetics); PubMed 35390161 (cited by 3 submitters); PubMed 39693713 (cited by Ambry Genetics); PubMed 38554151 (cited by Variantyx, Inc. and Dasa).